The following is an entry in ClinVar:

ClinVar aggregate classification (germline): Uncertain significance (1 of 4 stars; one submission).

Submission:

Ambry Genetics
Classification: Uncertain significance. Last evaluated: 2025-02-03. Review status: criteria provided, single submitter. Criteria: Ambry Variant Classification Scheme 2023. Collection method: clinical testing. Allele origin: germline.
Comment: The p.E273D variant (also known as c.819G>T), located in coding exon 4 of the GALNT12 gene, results from a G to T substitution at nucleotide position 819. The glutamic acid at codon 273 is replaced by aspartic acid, an amino acid with highly similar properties. This amino acid position is conserved. In addition, the in silico prediction for this alteration is inconclusive. Based on the available evidence, the clinical significance of this variant remains unclear.

NM_024642.5(GALNT12):c.819G>T (p.Glu273Asp)

Gene: GALNT12 (polypeptide N-acetylgalactosaminyltransferase 12; plus strand). Cytogenetic location: 9q22.33.
Variant type: single nucleotide variant.
Coding change: c.819G>T on transcript NM_024642.5 (MANE Select); coding-DNA position 819, G replaced by T.
Protein change: p.Glu273Asp; replaces glutamic acid 273 with aspartic acid.
Molecular consequence: missense variant.
Genome position (GRCh38, 1-based): chr9:98,831,859, G>T. VCF-style: chr9-98831859-G-T. GRCh37 (hg19) VCF-style: chr9-101594141-G-T.
Other names: short protein forms E273D.
Identifiers: ClinVar variation 3852671 (VCV003852671.1).